The following is an entry in ClinVar:

ClinVar aggregate classification (germline): Uncertain significance (1 of 4 stars; one submission).

Submission:

Dasa
Classification: Uncertain significance. Last evaluated: 2025-01-02. Review status: criteria provided, single submitter. Criteria: DASA Assertion Criteria. Collection method: clinical testing. Allele origin: germline.
Comment: NM_002834.5(PTPN11):c.388G>A (p.Gly130Arg) is a missense variant that results in the substitution of glycine with arginine. This variant is absent from population databases. Computational prediction algorithms are consistent with a deleterious effect. The currently available literature and clinical evidence are not sufficient to establish a definitive association between this variant and the reported condition. Therefore, this variant is classified as a variant of uncertain significance.

NM_002834.5(PTPN11):c.388G>A (p.Gly130Arg)

Gene: PTPN11 (protein tyrosine phosphatase non-receptor type 11; plus strand). Cytogenetic location: 12q24.13.
Variant type: single nucleotide variant.
Coding change: c.388G>A on transcript NM_002834.5 (MANE Select); coding-DNA position 388, G replaced by A.
Protein change: p.Gly130Arg; replaces glycine 130 with arginine.
Molecular consequence: missense variant.
Genome position (GRCh38, 1-based): chr12:112,453,250, G>A. VCF-style: chr12-112453250-G-A. GRCh37 (hg19) VCF-style: chr12-112891054-G-A.
Other names: c.388G>A, p.Gly130Arg (NM_001330437.2, NM_080601.3); c.385G>A, p.Gly129Arg (NM_001374625.1); short protein forms G129R, G130R.
Identifiers: ClinVar variation 4885699 (VCV004885699.2).
Genomic context (GRCh38, chr12:112,453,250, plus strand): 5'-TTTAGGTGGTTTCATGGACATCTCTCTGGGAAAGAAGCAGAGAAATTATTAACTGAAAAA[G>A]GAAAACATGGTAGTTTTCTTGTACGAGAGAGCCAGAGCCACCCTGGAGATTTTGTTCTTT-3'
Protein context (NP_002825.3, residues 120-140): KEAEKLLTEK[Gly130Arg]KHGSFLVRES